The following is an entry in ClinVar:

NM_001267550.2(TTN):c.10032A>G (p.Pro3344=)

Gene: TTN (titin; minus strand). Cytogenetic location: 2q31.2.
Variant type: single nucleotide variant.
Coding change: c.10032A>G on transcript NM_001267550.2 (MANE Select); coding-DNA position 10032, A replaced by G.
Protein change: p.Pro3344=; no amino-acid change (proline 3344 retained).
Molecular consequence: synonymous variant.
Genome position (GRCh38, 1-based): chr2:178,764,259, T>C on the plus strand (A>G on the coding strand, the complement: TTN is on the minus strand). VCF-style: chr2-178764259-T-C. GRCh37 (hg19) VCF-style: chr2-179628986-T-C.
Other names: c.10032A>G, p.Pro3344= (NM_001256850.1, NM_133378.4, NM_133379.5); c.9894A>G, p.Pro3298= (NM_003319.4, NM_133432.3, NM_133437.4).
Identifiers: ClinVar variation 3223378 (VCV003223378.5), dbSNP rs757321139, ClinGen allele CA430297193.

ClinVar aggregate classification (germline): Likely benign. Review status: criteria provided, multiple submitters, no conflicts (2 of 4 stars). 2 submissions from 2 submitters: Likely benign (2). Last evaluated 2026-03-01.

Conditions:
Cardiovascular phenotype. Identifiers: MedGen CN230736.

Allele frequency attached by ClinVar (database versions not stated): gnomAD 0.00001.
gnomAD v4.1: 1 of 1,613,868 alleles (0.000062%); highest among the groups gnomAD compares: Non-Finnish European, 0.000085%; no homozygotes.

Submissions (2):

CeGaT Center for Human Genetics Tuebingen
Classification: Likely benign. Last evaluated: 2026-03-01. Review status: criteria provided, single submitter. Criteria: CeGaT Center For Human Genetics Tuebingen Variant Classification Criteria Version 2. Collection method: clinical testing. Allele origin: germline. Affected: yes. Observed: 1 variant allele.
Comment: TTN: BP4, BP7

Ambry Genetics
Classification: Likely benign for Cardiovascular phenotype. Last evaluated: 2023-09-28. Review status: criteria provided, single submitter. Criteria: Ambry Variant Classification Scheme 2023. Collection method: clinical testing. Allele origin: germline.